The following is an entry in ClinVar:

ClinVar aggregate classification (germline): Conflicting classifications of pathogenicity. Review status: criteria provided, conflicting classifications (1 of 4 stars). 7 submissions from 7 submitters: Uncertain significance (1); Benign (1); Likely benign (5). Last evaluated 2026-07-13.

Conditions:
Osteogenesis imperfecta type I (OI1). Also called: Classic Non-deforming Osteogenesis Imperfecta with Blue Sclerae; OI, TYPE I; OSTEOGENESIS IMPERFECTA TARDA; OSTEOGENESIS IMPERFECTA WITH BLUE SCLERAE; Osteogenesis imperfecta type 1; Lobstein's Disease. Identifiers: Orphanet 216796, Orphanet 666, MedGen C0023931, MONDO:0008146, OMIM 166200. Disease mechanism: loss of function.
Ehlers-Danlos syndrome, arthrochalasia type. Also called: ARTHROCHALASIS MULTIPLEX CONGENITA; EDS VII, MUTANT PROCOLLAGEN TYPE; EDS VIIA; Ehlers-Danlos syndrome, arthrochalasia type, 1; Ehlers-Danlos syndrome, arthrochalasis type. Identifiers: Orphanet 1899, Orphanet 99875, Orphanet 99876, MedGen C4551623, MONDO:0007525, OMIM 130060.
Cardiovascular phenotype. Identifiers: MedGen CN230736.
COL1A1-related disorder. Also called: COL1A1- related disease; COL1A1-related condition.

Allele frequency attached by ClinVar (database versions not stated): TOPMed 0.00003; ExAC 0.00010; gnomAD 0.00001 and 0.00003; 1000 Genomes Project 30x 0.00016; 1000 Genomes Project 0.00020; gnomAD exomes 0.00006 and 0.00010.
gnomAD v4.1: 90 of 1,614,210 alleles (0.0056%); highest among the groups gnomAD compares: Middle Eastern, 0.12%; 1 homozygote.

Submissions (7):

PreventionGenetics, part of Exact Sciences
Classification: Likely benign for COL1A1-related condition. Last evaluated: 2026-07-13. Review status: criteria provided, single submitter. Criteria: ACMG Guidelines, 2015. Collection method: clinical testing. Allele origin: germline.
Comment: This variant is classified as likely benign based on ACMG/AMP sequence variant interpretation guidelines (Richards et al. 2015 PMID: 25741868, with internal and published modifications).

Women's Health and Genetics/Laboratory Corporation of America, LabCorp
Classification: Likely benign. Last evaluated: 2025-09-03. Review status: criteria provided, single submitter. Criteria: LabCorp Variant Classification Summary - May 2015. Collection method: clinical testing. Allele origin: germline.
Comment: Variant summary: COL1A1 c.133C>G (p.Leu45Val) results in a conservative amino acid change in the encoded protein sequence. Algorithms developed to predict the effect of missense changes on protein structure and function all suggest that this variant is likely to be tolerated. The variant allele was found at a frequency of 9.9e-05 in 251334 control chromosomes. The observed variant frequency exceeds the estimated maximal expected allele frequency for disease-causing variants in COL1A1. c.133C>G has been observed in individuals affected with symptoms associated with Osteogenesis Imperfecta (e.g., Gnoli_2021, Erbas_2022). These data do not allow any conclusion about variant significance. To our knowledge, no experimental evidence demonstrating an impact on protein function has been reported. The following publications have been ascertained in the context of this evaluation (PMID: 34025714, 34107839). ClinVar contains an entry for this variant (Variation ID: 1209278). Based on the evidence outlined above, the variant was classified as likely benign.

Labcorp Genetics (formerly Invitae), Labcorp
Classification: Benign for Osteogenesis imperfecta type I. Last evaluated: 2025-08-11. Review status: criteria provided, single submitter. Criteria: Invitae Variant Classification Sherloc (09022015). Collection method: clinical testing. Allele origin: germline.

Blueprint Genetics
Classification: Likely benign. Last evaluated: 2024-09-12. Review status: criteria provided, single submitter. Criteria: ACMG Guidelines, 2015. Collection method: clinical testing. Allele origin: germline.

Ambry Genetics
Classification: Likely benign for Cardiovascular phenotype. Last evaluated: 2024-08-20. Review status: criteria provided, single submitter. Criteria: Ambry Variant Classification Scheme 2023. Collection method: clinical testing. Allele origin: germline.

Department of Pathology and Laboratory Medicine, Sinai Health System
Classification: Uncertain significance for Ehlers-Danlos syndrome, arthrochalasia type. Last evaluated: 2021-11-03. Review status: criteria provided, single submitter. Criteria: ACMG Guidelines, 2015. Collection method: research. Allele origin: germline.

GeneDx
Classification: Likely benign. Last evaluated: 2021-05-28. Review status: criteria provided, single submitter. Criteria: GeneDx Variant Classification Process June 2021. Collection method: clinical testing. Allele origin: germline. Affected: yes.

Literature cited by the submitters: PubMed 34107839 (cited by Women's Health and Genetics/Laboratory Corporation of America, LabCorp); PubMed 34025714 (cited by Women's Health and Genetics/Laboratory Corporation of America, LabCorp).

NM_000088.4(COL1A1):c.133C>G (p.Leu45Val)

Gene: COL1A1 (collagen type I alpha 1 chain; minus strand). Cytogenetic location: 17q21.33.
Variant type: single nucleotide variant.
Coding change: c.133C>G on transcript NM_000088.4 (MANE Select); coding-DNA position 133, C replaced by G.
Protein change: p.Leu45Val; replaces leucine 45 with valine.
Molecular consequence: missense variant.
Genome position (GRCh38, 1-based): chr17:50,199,918, G>C on the plus strand (C>G on the coding strand, the complement: COL1A1 is on the minus strand). VCF-style: chr17-50199918-G-C. GRCh37 (hg19) VCF-style: chr17-48277279-G-C.
Other names: short protein forms L45V.
Identifiers: ClinVar variation 1209278 (VCV001209278.13), dbSNP rs546629502, ClinGen allele CA8645825.